The following is an entry in ClinVar:

ClinVar aggregate classification (germline): Pathogenic. Review status: criteria provided, multiple submitters, no conflicts (2 of 4 stars). 7 submissions from 7 submitters: Pathogenic (6). 1 of the submissions does not count toward it. Last evaluated 2025-12-17.

Conditions:
Glycine encephalopathy 1 (GCE1). Identifiers: MedGen CN376801, MONDO:0958179, OMIM 605899.
Glycine encephalopathy. Also called: Nonketotic hyperglycinemia; Non-ketotic hyperglycinemia. Identifiers: Orphanet 407, MedGen C0751748, MONDO:0011612, HP:0008288.

Allele frequency attached by ClinVar (database versions not stated): TOPMed below 0.00001.
gnomAD v4.1: 4 of 1,613,278 alleles (0.00025%); highest among the groups gnomAD compares: South Asian, 0.0011%; no homozygotes.

Submissions (7):

Natera, Inc.
Classification: Pathogenic for Non-ketotic hyperglycinemia. Last evaluated: 2025-12-17. Review status: criteria provided, single submitter. Criteria: Natera Variant Classification Schema (03/2026). Collection method: clinical testing. Allele origin: germline.
Comment: The c.2527C>T variant in GLDC is a nonsense variant predicted to introduce a stop codon at amino acid 843. This variant is expected to result in nonsense mediated decay, truncation, or a dysfunctional protein product. This variant is rare in the general population with a frequency below the threshold expected for the associated phenotype(s). This variant has been observed in one or more individuals affected with the associated recessive disease, as either homozygous or compound heterozygous with a second variant (PMID: 27362913). Given the available evidence, this variant is classified as Pathogenic.

GeneDx
Classification: Pathogenic. Last evaluated: 2024-12-17. Review status: criteria provided, single submitter. Criteria: GeneDx Variant Classification Process June 2021. Collection method: clinical testing. Allele origin: germline. Affected: yes.
Comment: Nonsense variant predicted to result in protein truncation or nonsense mediated decay in a gene for which loss of function is a known mechanism of disease; Not observed at significant frequency in large population cohorts (gnomAD); This variant is associated with the following publications: (PMID: 34426522, 31589614, 26179960)

Labcorp Genetics (formerly Invitae), Labcorp
Classification: Pathogenic for Glycine encephalopathy. Last evaluated: 2024-10-16. Review status: criteria provided, single submitter. Criteria: Invitae Variant Classification Sherloc (09022015). Collection method: clinical testing. Allele origin: germline.
Comment: This sequence change creates a premature translational stop signal (p.Arg843*) in the GLDC gene. It is expected to result in an absent or disrupted protein product. Loss-of-function variants in GLDC are known to be pathogenic (PMID: 16601880). This variant is not present in population databases (gnomAD no frequency). This premature translational stop signal has been observed in individual(s) with glycine encephalopathy (PMID: 26179960). ClinVar contains an entry for this variant (Variation ID: 462875). For these reasons, this variant has been classified as Pathogenic.

Revvity Omics, Revvity
Classification: Pathogenic for Glycine encephalopathy 1. Last evaluated: 2024-05-16. Review status: criteria provided, single submitter. Criteria: ACMG Guidelines, 2015. Collection method: clinical testing. Allele origin: germline.

Women's Health and Genetics/Laboratory Corporation of America, LabCorp
Classification: Pathogenic for Glycine encephalopathy. Last evaluated: 2022-10-22. Review status: criteria provided, single submitter. Criteria: LabCorp Variant Classification Summary - May 2015. Collection method: clinical testing. Allele origin: germline.
Comment: Variant summary: GLDC c.2527C>T (p.Arg843X) results in a premature termination codon, predicted to cause a truncation of the encoded protein or absence of the protein due to nonsense mediated decay, which are commonly known mechanisms for disease. Truncations downstream of this position have been classified as pathogenic within ClinVar (e.g. c.2614A>T [p.Lys872Ter]). The variant was absent in 251488 control chromosomes (gnomAD). c.2527C>T has been reported in the literature as a biallelic genotype in multiple individuals affected with Glycine Encephalopathy (Non-Ketotic Hyperglycinemia, Swanson_2015, Coughlin_2017). These data indicate that the variant is very likely to be associated with disease. To our knowledge, no experimental evidence demonstrating an impact on protein function has been reported. Two ClinVar submitters have assessed the variant since 2014: one classified the variant as likely pathogenic and one as pathogenic. Based on the evidence outlined above, the variant was classified as pathogenic.

Juno Genomics, Hangzhou Juno Genomics, Inc
Classification: Pathogenic for Glycine encephalopathy 1. Review status: criteria provided, single submitter. Criteria: ACMG Guidelines, 2015. Collection method: clinical testing. Allele origin: germline.
Comment: Absent from controls (or at extremely low frequency if recessive) in Genome Aggregation Database.;Null variant in a gene where loss of function (LOF) is a known mechanism of disease.;For recessive disorders, detected in trans with a pathogenic variant.

Counsyl
Classification: Likely pathogenic for Glycine encephalopathy 1. Last evaluated: 2017-10-27. Review status: no assertion criteria provided. Collection method: clinical testing. Allele origin: unknown. Not counted in ClinVar's aggregate classification.

Literature cited by the submitters: PubMed 27362913 (cited by Natera, Inc. and Women's Health and Genetics/Laboratory Corporation of America, LabCorp); PubMed 16601880 (cited by Labcorp Genetics (formerly Invitae), Labcorp); PubMed 26179960 (cited by 3 submitters).

NM_000170.3(GLDC):c.2527C>T (p.Arg843Ter)

Gene: GLDC (glycine decarboxylase; minus strand). Cytogenetic location: 9p24.1.
Variant type: single nucleotide variant.
Coding change: c.2527C>T on transcript NM_000170.3 (MANE Select); coding-DNA position 2527, C replaced by T.
Protein change: p.Arg843Ter; replaces arginine 843 with a stop codon.
Molecular consequence: nonsense.
Genome position (GRCh38, 1-based): chr9:6,550,845, G>A on the plus strand (C>T on the coding strand, the complement: GLDC is on the minus strand). VCF-style: chr9-6550845-G-A. GRCh37 (hg19) VCF-style: chr9-6550845-G-A.
Other names: short protein forms R843*.
Identifiers: ClinVar variation 462875 (VCV000462875.17), dbSNP rs1554643360, ClinGen allele CA372876006.